The following is an entry in ClinVar:

ClinVar aggregate classification (germline): Pathogenic (1 of 4 stars; one submission).

Conditions:
Methylmalonic aciduria, cblB type (MACB). Also called: METHYLMALONIC ACIDURIA, VITAMIN B12-RESPONSIVE, DUE TO DEFECT IN SYNTHESIS OF ADENOSYLCOBALAMIN, cblB TYPE; Vitamin B12-responsive methylmalonic acidemia type cblB; Methylmalonic acidemia cblB type. Identifiers: Orphanet 28, Orphanet 79311, MedGen C1855102, MONDO:0009614, OMIM 251110.

Submission:

Labcorp Genetics (formerly Invitae), Labcorp
Classification: Pathogenic for Methylmalonic aciduria, cblB type. Last evaluated: 2022-08-21. Review status: criteria provided, single submitter. Criteria: Invitae Variant Classification Sherloc (09022015). Collection method: clinical testing. Allele origin: germline.
Comment: For these reasons, this variant has been classified as Pathogenic. This variant disrupts a region of the MMAB protein in which other variant(s) (p.Gln234*) have been determined to be pathogenic (PMID: 16410054, 21604717). This suggests that this is a clinically significant region of the protein, and that variants that disrupt it are likely to be disease-causing. This variant has not been reported in the literature in individuals affected with MMAB-related conditions. This variant is present in population databases (no rsID available, gnomAD 0.0009%). This sequence change creates a premature translational stop signal (p.Leu182Profs*28) in the MMAB gene. While this is not anticipated to result in nonsense mediated decay, it is expected to disrupt the last 69 amino acid(s) of the MMAB protein.

Literature cited by the submitters: PubMed 16410054; PubMed 21604717.

NM_052845.4(MMAB):c.545_570del (p.Leu182fs)

Gene: MMAB (metabolism of cobalamin associated B; minus strand). Cytogenetic location: 12q24.11.
Variant type: Deletion.
Coding change: c.545_570del on transcript NM_052845.4 (MANE Select); coding-DNA positions 545 to 570, 26 bases deleted (TGCATTTCTGCCGGGCCGTGTGCCGC).
Protein change: p.Leu182fs; shifts the reading frame from leucine 182.
Molecular consequence: frameshift variant. On other transcripts: non-coding transcript variant (1).
Genome position (GRCh38, 1-based): chr12:109,561,054-109,561,079, GCGGCACACGGCCCGGCAGAAATGCA deleted on the plus strand (TGCATTTCTGCCGGGCCGTGTGCCGC on the coding strand, the reverse complement: MMAB is on the minus strand); deleting any 26 consecutive bases within chr12:109,561,054-109,561,082 gives the same sequence; the c. name uses the placement nearest the transcript's 3' end. VCF-style (leftmost placement, unchanged base first): chr12-109561053-GGCGGCACACGGCCCGGCAGAAATGCA-G. GRCh37 (hg19) VCF-style: chr12-109998858-GGCGGCACACGGCCCGGCAGAAATGCA-G.
Other names: short protein forms L182fs.
Identifiers: ClinVar variation 2025769 (VCV002025769.4), dbSNP rs1566132205, ClinGen allele CA607285581.